The following is an entry in ClinVar:

ClinVar aggregate classification (germline): Likely benign (1 of 4 stars; one submission).

Submission:

CeGaT Center for Human Genetics Tuebingen
Classification: Likely benign. Last evaluated: 2026-08-01. Review status: criteria provided, single submitter. Criteria: CeGaT Center For Human Genetics Tuebingen Variant Classification Criteria Version 2. Collection method: clinical testing. Allele origin: germline. Affected: yes. Observed: 2 variant alleles.
Comment: TOPORS: PM2:Supporting, BP4, BP7

NM_005802.5(TOPORS):c.1662A>T (p.Thr554=)

Gene: TOPORS (TOP1 binding arginine/serine rich protein, E3 ubiquitin ligase; minus strand). Cytogenetic location: 9p21.1.
Variant type: single nucleotide variant.
Coding change: c.1662A>T on transcript NM_005802.5 (MANE Select); coding-DNA position 1662, A replaced by T.
Protein change: p.Thr554=; no amino-acid change (threonine 554 retained).
Molecular consequence: synonymous variant.
Genome position (GRCh38, 1-based): chr9:32,542,863, T>A on the plus strand (A>T on the coding strand, the complement: TOPORS is on the minus strand). VCF-style: chr9-32542863-T-A. GRCh37 (hg19) VCF-style: chr9-32542861-T-A.
Other names: c.1467A>T, p.Thr489= (NM_001195622.2).
Identifiers: ClinVar variation 4873020 (VCV004873020.2).
Genomic context (GRCh38, chr9:32,542,863, plus strand): 5'-CAGGTTTCTGGGAGATGACAATGATGTAGATCGTTTCTCTTCCTTCTTTGATTTGATTCT[T>A]GTACTAGAATCACAATGACCTTTATTTATTTGTTCATCCTTTCCAAGGACAGAGTGTGGA-3'
Protein context (NP_005793.2, residues 544-564): QINKGHCDSS[Thr554=]RIKSKKEEKR